The following is an entry in ClinVar:

ClinVar aggregate classification (germline): Likely pathogenic (1 of 4 stars; one submission).

Conditions:
Snijders blok-fisher syndrome. Identifiers: Orphanet 656135, MedGen C5231424, MONDO:0032830, OMIM 618604.

Submission:

Medical Genetics Laboratory, Gulhane Training and Research Hospital
Classification: Likely pathogenic for Snijders blok-fisher syndrome. Last evaluated: 2020-11-06. Review status: criteria provided, single submitter. Criteria: ACMG Guidelines, 2015. Collection method: clinical testing. Allele origin: germline. Inheritance: Autosomal dominant inheritance. Affected: yes. Observed: 1 heterozygote.
Comment: This sequence change replaces glutamine with leucine at codon 340 of the POU3F3 protein (p.Q340L). The glutamine residue is highly conserved and there is a large physicochemical difference between glutamine and leucine. This variant is not present in population databases. In silico analyses are consistent in its predictions as the variant is damaging to the protein structure/function. Using ACMG criteria the variant is classified as "likely pathogenic" (PM1, PM2, PM6, PP2, PP3).

NM_006236.3(POU3F3):c.1018_1019delinsTT (p.Gln340Leu)

Gene: POU3F3 (POU class 3 homeobox 3; plus strand). Cytogenetic location: 2q12.1.
Variant type: Indel.
Coding change: c.1018_1019delinsTT on transcript NM_006236.3 (MANE Select); coding-DNA positions 1018 to 1019, CA replaced by TT.
Protein change: p.Gln340Leu; replaces glutamine 340 with leucine.
Molecular consequence: missense variant.
Genome position (GRCh38, 1-based): chr2:104,856,528-104,856,529, CA replaced by TT. VCF-style: chr2-104856528-CA-TT. GRCh37 (hg19) VCF-style: chr2-105472986-CA-TT.
Other names: c.1018_1019delCAinsTT (NM_006236.3); short protein forms Q340L.
Identifiers: ClinVar variation 984445 (VCV000984445.3), dbSNP rs1676571415, ClinGen allele CA1139657176.